The following is an entry in ClinVar:

NM_001376571.1(MADD):c.3201A>C (p.Pro1067=)

Gene: MADD (MAP kinase activating death domain; plus strand). Cytogenetic location: 11p11.2.
Variant type: single nucleotide variant.
Coding change: c.3201A>C on transcript NM_001376571.1 (MANE Select); coding-DNA position 3201, A replaced by C.
Protein change: p.Pro1067=; no amino-acid change (proline 1067 retained).
Molecular consequence: synonymous variant. On other transcripts: non-coding transcript variant (7).
Genome position (GRCh38, 1-based): chr11:47,290,656, A>C. VCF-style: chr11-47290656-A-C. GRCh37 (hg19) VCF-style: chr11-47312207-A-C.
Other names: c.3012A>C, p.Pro1004= (NM_001135943.2, NM_001135944.2, NM_001376585.1 and 21 more transcripts); c.3201A>C, p.Pro1067= (NM_001376572.1, NM_001376573.1, NM_001376574.1 and 11 more transcripts); c.3141A>C, p.Pro1047= (NM_001376575.1, NM_001376576.1, NM_001376577.1 and 12 more transcripts); c.3114A>C, p.Pro1038= (NM_001376578.1, NM_001376631.1); c.3072A>C, p.Pro1024= (NM_001376581.1, NM_001376582.1, NM_001376586.1 and 14 more transcripts); c.3039A>C, p.Pro1013= (NM_001376583.1, NM_001376611.1, NM_001376613.1 and 1 more transcripts); c.3219A>C, p.Pro1073= (NM_001376596.1); c.3048A>C, p.Pro1016= (NM_001376602.1); and 9 more.
Identifiers: ClinVar variation 4533834 (VCV004533834.6).
Genomic context (GRCh38, chr11:47,290,656, plus strand): 5'-TATTTTTCCCTCAGAACCAGACAAGCGGAAGAGAAGTCCAACAGAAAGTGTAAATACCCC[A>C]GTTGGCAAGGATCCTGGCCTAGCTGGGCGGGGGGACCCAAAGGCTATGGCACAACTGAGA-3'
Protein context (NP_001363500.1, residues 1057-1077): KRSPTESVNT[Pro1067=]VGKDPGLAGR

ClinVar aggregate classification (germline): Likely benign (1 of 4 stars; one submission).

gnomAD v4.1: 239 of 1,614,088 alleles (0.015%); highest among the groups gnomAD compares: Admixed American, 0.38%; 1 homozygote.

Submission:

CeGaT Center for Human Genetics Tuebingen
Classification: Likely benign. Last evaluated: 2025-11-01. Review status: criteria provided, single submitter. Criteria: CeGaT Center For Human Genetics Tuebingen Variant Classification Criteria Version 2. Collection method: clinical testing. Allele origin: germline. Affected: yes. Observed: 1 variant allele.
Comment: MADD: BP4, BP7